The following is an entry in ClinVar:

NM_007078.3(LDB3):c.2038G>T (p.Asp680Tyr)

Gene: LDB3 (LIM domain binding 3; plus strand). Cytogenetic location: 10q23.2.
Variant type: single nucleotide variant.
Coding change: c.2038G>T on transcript NM_007078.3 (MANE Select); coding-DNA position 2038, G replaced by T.
Protein change: p.Asp680Tyr; replaces aspartic acid 680 with tyrosine.
Molecular consequence: missense variant.
Genome position (GRCh38, 1-based): chr10:86,726,196, G>T. VCF-style: chr10-86726196-G-T. GRCh37 (hg19) VCF-style: chr10-88485953-G-T.
Other names: c.1708G>T, p.Asp570Tyr (NM_001080114.2); c.2053G>T, p.Asp685Tyr (NM_001171610.2); c.1849G>T, p.Asp617Tyr (NM_001368064.1, NM_001368065.1); c.1897G>T, p.Asp633Tyr (NM_001368066.1); short protein forms D617Y, D680Y, D685Y, D570Y, D633Y.
Identifiers: ClinVar variation 4844742 (VCV004844742.1).

ClinVar aggregate classification (germline): Uncertain significance (1 of 4 stars; one submission).

Conditions:
Cardiovascular phenotype. Identifiers: MedGen CN230736.

Submission:

Ambry Genetics
Classification: Uncertain significance for Cardiovascular phenotype. Last evaluated: 2026-02-12. Review status: criteria provided, single submitter. Criteria: Ambry Variant Classification Scheme 2023. Collection method: clinical testing. Allele origin: germline.
Comment: The p.D680Y variant (also known as c.2038G>T), located in coding exon 12 of the LDB3 gene, results from a G to T substitution at nucleotide position 2038. The aspartic acid at codon 680 is replaced by tyrosine, an amino acid with highly dissimilar properties. This amino acid position is highly conserved in available vertebrate species. In addition, this alteration is predicted to be deleterious by in silico analysis. Based on the available evidence, the clinical significance of this variant remains unclear.